The following is an entry in ClinVar:

ClinVar aggregate classification (germline): Conflicting classifications of pathogenicity. Review status: criteria provided, conflicting classifications (1 of 4 stars). 3 submissions from 3 submitters: Likely pathogenic (1); Uncertain significance (2). Last evaluated 2023-05-14.

Submissions (3):

GeneDx
Classification: Likely pathogenic. Last evaluated: 2023-05-14. Review status: criteria provided, single submitter. Criteria: GeneDx Variant Classification Process June 2021. Collection method: clinical testing. Allele origin: germline. Affected: yes.
Comment: Not observed at significant frequency in large population cohorts (gnomAD); In-frame deletion of 4 amino acids in a non-repeat region; In silico analysis supports a deleterious effect on protein structure/function; Has not been previously published as pathogenic or benign to our knowledge

Labcorp Genetics (formerly Invitae), Labcorp
Classification: Uncertain significance. Last evaluated: 2022-05-10. Review status: criteria provided, single submitter. Criteria: Invitae Variant Classification Sherloc (09022015). Collection method: clinical testing. Allele origin: germline.
Comment: In summary, the available evidence is currently insufficient to determine the role of this variant in disease. Therefore, it has been classified as a Variant of Uncertain Significance. Experimental studies and prediction algorithms are not available or were not evaluated, and the functional significance of this variant is currently unknown. This variant has not been reported in the literature in individuals affected with EDNRB-related conditions. This variant is not present in population databases (gnomAD no frequency). This variant, c.350_361del, results in the deletion of 4 amino acid(s) of the EDNRB protein (p.Ile117_Ser120del), but otherwise preserves the integrity of the reading frame.

Blueprint Genetics
Classification: Uncertain significance. Last evaluated: 2021-09-07. Review status: criteria provided, single submitter. Criteria: ACMG Guidelines, 2015. Collection method: clinical testing. Allele origin: germline.

NM_001122659.3(EDNRB):c.350_361del (p.Ile117_Ser120del)

Gene: EDNRB (endothelin receptor type B; minus strand). Cytogenetic location: 13q22.3.
Variant type: Deletion.
Coding change: c.350_361del on transcript NM_001122659.3 (MANE Select); coding-DNA positions 350 to 361, 12 bases deleted (TCGGGAACTCCA).
Protein change: p.Ile117_Ser120del.
Molecular consequence: inframe deletion. On other transcripts: inframe indel (1).
Genome position (GRCh38, 1-based): chr13:77,918,213-77,918,224, TGGAGTTCCCGA deleted on the plus strand (TCGGGAACTCCA on the coding strand, the reverse complement: EDNRB is on the minus strand); deleting any 12 consecutive bases within chr13:77,918,213-77,918,226 gives the same sequence; the c. name uses the placement nearest the transcript's 3' end. VCF-style (leftmost placement, unchanged base first): chr13-77918212-GTGGAGTTCCCGA-G. GRCh37 (hg19) VCF-style: chr13-78492347-GTGGAGTTCCCGA-G.
Other names: c.350_361del, p.Ile117_Ser120del (NM_000115.5, NM_003991.4); c.618_629delCATCGGGAACTC, p.Ile207_Ser210del (NM_001201397.2).
Identifiers: ClinVar variation 1992879 (VCV001992879.6), dbSNP rs2501607972, ClinGen allele CA2575433929.